The following is an entry in ClinVar:

NM_002691.4(POLD1):c.2173C>T (p.Arg725Cys)

Gene: POLD1 (DNA polymerase delta 1, catalytic subunit; plus strand). Cytogenetic location: 19q13.33.
Variant type: single nucleotide variant.
Coding change: c.2173C>T on transcript NM_002691.4 (MANE Select); coding-DNA position 2173, C replaced by T.
Protein change: p.Arg725Cys; replaces arginine 725 with cysteine.
Molecular consequence: missense variant. On other transcripts: non-coding transcript variant (1).
Genome position (GRCh38, 1-based): chr19:50,413,444, C>T. VCF-style: chr19-50413444-C-T. GRCh37 (hg19) VCF-style: chr19-50916701-C-T.
Other names: c.2173C>T, p.Arg725Cys (NM_001256849.1); c.2251C>T, p.Arg751Cys (NM_001308632.1); c.2173C>T (NM_002691.2); short protein forms R725C, R751C.
Identifiers: ClinVar variation 239275 (VCV000239275.4), dbSNP rs878854532, ClinGen allele CA10583839.

ClinVar aggregate classification (germline): Uncertain significance. Review status: criteria provided, multiple submitters, no conflicts (2 of 4 stars). 2 submissions from 2 submitters: Uncertain significance (2). Last evaluated 2025-12-09.

Conditions:
POLD1-related polyposis and colorectal cancer syndrome (CRCS10). Also called: COLORECTAL CANCER, SUSCEPTIBILITY TO, ON CHROMOSOME 19q; Colorectal cancer 10; Colorectal cancer, susceptibility to, 10. Identifiers: Orphanet 220460, MedGen C2675481, MONDO:0012953, OMIM 612591.
Hereditary cancer-predisposing syndrome. Also called: Hereditary Cancer Syndrome; Neoplastic Syndromes, Hereditary; Hereditary neoplastic syndrome; Tumor predisposition. Identifiers: Orphanet 140162, MedGen C0027672, MeSH D009386, MONDO:0015356.

Allele frequency attached by ClinVar (database versions not stated): gnomAD exomes below 0.00001; gnomAD 0.00001; TOPMed 0.00001.
gnomAD v4.1: 5 of 1,613,064 alleles (0.00031%); highest among the groups gnomAD compares: Non-Finnish European, 0.00042%; no homozygotes.

Submissions (2):

Labcorp Genetics (formerly Invitae), Labcorp
Classification: Uncertain significance for POLD1-related polyposis and colorectal cancer syndrome. Last evaluated: 2025-12-09. Review status: criteria provided, single submitter. Criteria: Invitae Variant Classification Sherloc (09022015). Collection method: clinical testing. Allele origin: germline.
Comment: This sequence change replaces arginine, which is basic and polar, with cysteine, which is neutral and slightly polar, at codon 725 of the POLD1 protein (p.Arg725Cys). This variant is not present in population databases (gnomAD no frequency). This variant has not been reported in the literature in individuals affected with POLD1-related conditions. ClinVar contains an entry for this variant (Variation ID: 239275). Invitae Evidence Modeling of protein sequence and biophysical properties (such as structural, functional, and spatial information, amino acid conservation, physicochemical variation, residue mobility, and thermodynamic stability) indicates that this missense variant is expected to disrupt POLD1 protein function with a positive predictive value of 80%. In summary, the available evidence is currently insufficient to determine the role of this variant in disease. Therefore, it has been classified as a Variant of Uncertain Significance.

Ambry Genetics
Classification: Uncertain significance for Hereditary cancer-predisposing syndrome. Last evaluated: 2025-09-07. Review status: criteria provided, single submitter. Criteria: Ambry Variant Classification Scheme 2023. Collection method: clinical testing. Allele origin: germline.
Comment: The p.R725C variant (also known as c.2173C>T), located in coding exon 17 of the POLD1 gene, results from a C to T substitution at nucleotide position 2173. The arginine at codon 725 is replaced by cysteine, an amino acid with highly dissimilar properties. This amino acid position is conserved. In addition, this alteration is predicted to be deleterious by in silico analysis. Based on the available evidence, the clinical significance of this variant remains unclear.